The following is an entry in ClinVar:

NM_001276345.2(TNNT2):c.610-8C>A

Gene: TNNT2 (troponin T2, cardiac type; minus strand). Cytogenetic location: 1q32.1.
Variant type: single nucleotide variant.
Coding change: c.610-8C>A on transcript NM_001276345.2 (MANE Select); 8 bases into the intron before coding-DNA position 610, C replaced by A.
Molecular consequence: intron variant.
Genome position (GRCh38, 1-based): chr1:201,362,030, G>T on the plus strand (C>A on the coding strand, the complement: TNNT2 is on the minus strand). VCF-style: chr1-201362030-G-T. GRCh37 (hg19) VCF-style: chr1-201331158-G-T.
Other names: c.571-8C>A (NM_001406727.1, NM_001001431.3, NM_001406726.1); c.580-8C>A (NM_001406724.1, NM_001001430.3, NM_001276347.2); c.562-8C>A (NM_001001432.3); c.565-8C>A (NM_001406728.1); c.577-8C>A (NM_001406725.1); c.481-8C>A (NM_001276346.2); c.601-8C>A (NM_000364.4, NM_001406723.1).
Identifiers: ClinVar variation 3074613 (VCV003074613.1), dbSNP rs2526944064, ClinGen allele CA344204072.

ClinVar aggregate classification (germline): Uncertain significance (1 of 4 stars; one submission).

Conditions:
Cardiomyopathy (CMYO). Also called: Cardiomyopathies. Identifiers: Orphanet 167848, MedGen C0878544, MONDO:0004994, HP:0001638. Inheritance: Various modes of inheritance.

Submission:

All of Us Research Program, National Institutes of Health
Classification: Uncertain significance for Cardiomyopathy. Last evaluated: 2023-11-20. Review status: criteria provided, single submitter. Criteria: ACMG Guidelines, 2015. Collection method: clinical testing. Allele origin: germline. Inheritance: Autosomal dominant inheritance. Observed: 1 variant allele, 1 heterozygote.
Comment: This variant causes a C to A nucleotide substitution at the -8 position of intron 12 of the TNNT2 gene. To our knowledge, functional studies have not been reported for this variant. This variant has not been reported in individuals affected with TNNT2-related disorders in the literature. This variant has not been identified in the general population by the Genome Aggregation Database (gnomAD). The available evidence is insufficient to determine the role of this variant in disease conclusively. Therefore, this variant is classified as a Variant of Uncertain Significance.

This study involves interpretation of variants in research participants for the purpose of population health screening. Participant phenotype was not available at the time of variant classification. Additional details can be found in publication PMID: 35346344, PMCID: PMC8962531